The following is an entry in ClinVar:

NM_001943.5(DSG2):c.2169C>G (p.Ser723Arg)

Genes: DSG2 (desmoglein 2; plus strand), DSG2-AS1 (DSG2 antisense RNA 1; minus strand). Cytogenetic location: 18q12.1.
Variant type: single nucleotide variant.
Coding change: c.2169C>G on transcript NM_001943.5 (MANE Select); coding-DNA position 2169, C replaced by G.
Protein change: p.Ser723Arg; replaces serine 723 with arginine.
Molecular consequence: missense variant.
Genome position (GRCh38, 1-based): chr18:31,542,687, C>G. VCF-style: chr18-31542687-C-G. GRCh37 (hg19) VCF-style: chr18-29122650-C-G.
Other names: short protein forms S723R.
Identifiers: ClinVar variation 3071849 (VCV003071849.1), dbSNP rs2073276369, ClinGen allele CA402142300.

ClinVar aggregate classification (germline): Uncertain significance (1 of 4 stars; one submission).

Conditions:
Arrhythmogenic right ventricular cardiomyopathy (ARVD). Also called: Arrhythmogenic right ventricular dysplasia; Cardiomyopathy, ARVC; Arrhythmogenic cardiomyopathy; Arrhythmogenic Right Ventricular Cardiomyopathy (ARVC). Identifiers: Orphanet 247, MedGen C0349788, MeSH D019571, MONDO:0016587. Disease mechanism: loss of function. Inheritance: Various modes of inheritance.

Submission:

All of Us Research Program, National Institutes of Health
Classification: Uncertain significance for Arrhythmogenic right ventricular cardiomyopathy. Last evaluated: 2023-06-26. Review status: criteria provided, single submitter. Criteria: ACMG Guidelines, 2015. Collection method: clinical testing. Allele origin: germline. Inheritance: Autosomal dominant inheritance. Observed: 1 variant allele, 1 heterozygote.
Comment: This missense variant replaces serine with arginine at codon 723 of the DSG2 protein. Computational prediction suggests that this variant may not impact protein structure and function (internally defined REVEL score threshold <= 0.5, PMID: 27666373). To our knowledge, functional studies have not been reported for this variant. This variant has not been reported in individuals affected with DSG2-related disorders in the literature. This variant has not been identified in the general population by the Genome Aggregation Database (gnomAD). The available evidence is insufficient to determine the role of this variant in disease conclusively. Therefore, this variant is classified as a Variant of Uncertain Significance.

This study involves interpretation of variants in research participants for the purpose of population health screening. Participant phenotype was not available at the time of variant classification. Additional details can be found in publication PMID: 35346344, PMCID: PMC8962531